The following is an entry in ClinVar:

NM_000743.5(CHRNA3):c.554C>T (p.Ala185Val)

Gene: CHRNA3 (cholinergic receptor nicotinic alpha 3 subunit; minus strand). Cytogenetic location: 15q25.1.
Variant type: single nucleotide variant.
Coding change: c.554C>T on transcript NM_000743.5 (MANE Select); coding-DNA position 554, C replaced by T.
Protein change: p.Ala185Val; replaces alanine 185 with valine.
Molecular consequence: missense variant. On other transcripts: non-coding transcript variant (1).
Genome position (GRCh38, 1-based): chr15:78,602,088, G>A on the plus strand (C>T on the coding strand, the complement: CHRNA3 is on the minus strand). VCF-style: chr15-78602088-G-A. GRCh37 (hg19) VCF-style: chr15-78894430-G-A.
Other names: c.554C>T, p.Ala185Val (NM_001166694.2); short protein forms A185V.
Identifiers: ClinVar variation 2082751 (VCV002082751.4), dbSNP rs200795919, ClinGen allele CA7684451.

ClinVar aggregate classification (germline): Uncertain significance (1 of 4 stars; one submission).

Allele frequency attached by ClinVar (database versions not stated): ExAC 0.00002; gnomAD 0.00003; TOPMed 0.00003; gnomAD exomes 0.00004.

Submission:

Labcorp Genetics (formerly Invitae), Labcorp
Classification: Uncertain significance. Last evaluated: 2022-03-15. Review status: criteria provided, single submitter. Criteria: Invitae Variant Classification Sherloc (09022015). Collection method: clinical testing. Allele origin: germline.
Comment: This sequence change replaces alanine, which is neutral and non-polar, with valine, which is neutral and non-polar, at codon 185 of the CHRNA3 protein (p.Ala185Val). This variant is present in population databases (rs200795919, gnomAD 0.006%). This variant has not been reported in the literature in individuals affected with CHRNA3-related conditions. Algorithms developed to predict the effect of missense changes on protein structure and function (SIFT, PolyPhen-2, Align-GVGD) all suggest that this variant is likely to be tolerated. In summary, the available evidence is currently insufficient to determine the role of this variant in disease. Therefore, it has been classified as a Variant of Uncertain Significance.